The following is an entry in ClinVar:

ClinVar aggregate classification (germline): Likely benign (1 of 4 stars; one submission).

gnomAD v4.1: 2 of 1,613,350 alleles (0.00012%); highest among the groups gnomAD compares: Non-Finnish European, 0.00017%; no homozygotes.

Submission:

CeGaT Center for Human Genetics Tuebingen
Classification: Likely benign. Last evaluated: 2025-09-01. Review status: criteria provided, single submitter. Criteria: CeGaT Center For Human Genetics Tuebingen Variant Classification Criteria Version 2. Collection method: clinical testing. Allele origin: germline. Affected: yes. Observed: 1 variant allele.
Comment: HRAS: BP4, BP7

NM_005343.4(HRAS):c.186G>A (p.Glu62=)

Genes: HRAS (HRas proto-oncogene, GTPase; minus strand), LRRC56 (leucine rich repeat containing 56; plus strand). Cytogenetic location: 11p15.5.
Variant type: single nucleotide variant.
Coding change: c.186G>A on transcript NM_005343.4 (MANE Select); coding-DNA position 186, G replaced by A.
Protein change: p.Glu62=; no amino-acid change (glutamic acid 62 retained).
Molecular consequence: synonymous variant. On other transcripts: intron variant (2), 5 prime UTR variant (1).
Genome position (GRCh38, 1-based): chr11:533,870, C>T on the plus strand (G>A on the coding strand, the complement: HRAS is on the minus strand). VCF-style: chr11-533870-C-T. GRCh37 (hg19) VCF-style: chr11-533870-C-T.
Other names: c.186G>A, p.Glu62= (NM_176795.5, NM_001130442.3); c.-162+5533C>T (NM_001441284.1, NM_001441286.1); c.-134G>A (NM_001318054.2).
Identifiers: ClinVar variation 4281463 (VCV004281463.7).